The following is an entry in ClinVar:

ClinVar aggregate classification (germline): Uncertain significance (1 of 4 stars; one submission).

Conditions:
Familial thoracic aortic aneurysm and aortic dissection (TAAD). Also called: Thoracic aortic aneurysms and dissections. Identifiers: Orphanet 91387, MedGen C4707243, MONDO:0019625.

gnomAD v4.1: 3 of 1,210,098 alleles (0.00025%); highest among the groups gnomAD compares: Non-Finnish European, 0.00011%; no homozygotes.

Submission:

Ambry Genetics
Classification: Uncertain significance for Familial thoracic aortic aneurysm and aortic dissection. Last evaluated: 2025-02-27. Review status: criteria provided, single submitter. Criteria: Ambry Variant Classification Scheme 2023. Collection method: clinical testing. Allele origin: germline.
Comment: The p.D766E variant (also known as c.2298T>G), located in coding exon 16 of the MED12 gene, results from a T to G substitution at nucleotide position 2298. The aspartic acid at codon 766 is replaced by glutamic acid, an amino acid with highly similar properties. This amino acid position is conserved. In addition, this alteration is predicted to be tolerated by in silico analysis. Based on the available evidence, the clinical significance of this variant remains unclear.

NM_005120.3(MED12):c.2298T>G (p.Asp766Glu)

Gene: MED12 (mediator complex subunit 12; plus strand). Cytogenetic location: Xq13.1.
Variant type: single nucleotide variant.
Coding change: c.2298T>G on transcript NM_005120.3 (MANE Select); coding-DNA position 2298, T replaced by G.
Protein change: p.Asp766Glu; replaces aspartic acid 766 with glutamic acid.
Molecular consequence: missense variant.
Genome position (GRCh38, 1-based): chrX:71,125,422, T>G. VCF-style: chrX-71125422-T-G. GRCh37 (hg19) VCF-style: chrX-70345272-T-G.
Other names: short protein forms D766E.
Identifiers: ClinVar variation 3871941 (VCV003871941.1).